The following is an entry in ClinVar:

NC_000023.10:g.(?_32360197)_(32867957_?)del

Gene: DMD (dystrophin; minus strand). Cytogenetic location: Xp21.1.
Variant type: Deletion.
Identifiers: ClinVar variation 1455804 (VCV001455804.2).

ClinVar aggregate classification (germline): Pathogenic (1 of 4 stars; one submission).

Conditions:
Duchenne muscular dystrophy (DMD). Also called: Duchenne Muscular Dystrophy (DMD); MUSCULAR DYSTROPHY, PSEUDOHYPERTROPHIC PROGRESSIVE, DUCHENNE TYPE. Identifiers: Orphanet 98896, MedGen C0013264, MONDO:0010679, OMIM 310200.

Submission:

Labcorp Genetics (formerly Invitae), Labcorp
Classification: Pathogenic for Duchenne muscular dystrophy. Last evaluated: 2023-05-20. Review status: criteria provided, single submitter. Criteria: Invitae Variant Classification Sherloc (09022015). Collection method: clinical testing. Allele origin: germline.
Comment: For these reasons, this variant has been classified as Pathogenic. The region of the DMD gene that includes exon(s) 3-12 has been determined to be clinically significant (PMID: 19937601, 25482253, 31705731; Invitae). Therefore, deletions that encompass that region are likely to be disease-causing. A similar copy number variant has been observed in individuals with Duchenne muscular dystrophy (PMID: 12674656, 27206868). This variant is a gross deletion of the genomic region encompassing exon(s) 3-41 of the DMD gene. This variant would be expected to be in-frame, preserving the integrity of the reading frame.

Literature cited by the submitters: PubMed 19937601; PubMed 25482253; PubMed 31705731; PubMed 12674656; PubMed 27206868.